The following is an entry in ClinVar:

ClinVar aggregate classification (germline): Pathogenic. Review status: criteria provided, multiple submitters, no conflicts (2 of 4 stars). 3 submissions from 3 submitters: Pathogenic (3). Last evaluated 2023-12-07.

Conditions:
Usher syndrome type 2A. Also called: USHER SYNDROME, TYPE IIA; RETINAL DISEASE IN USHER SYNDROME TYPE IIA, MODIFIER OF. Identifiers: Orphanet 231178, Orphanet 886, MedGen C1848634, MONDO:0010169, OMIM 276901.

Allele frequency attached by ClinVar (database versions not stated): ESP Exome Variant Server 0.00008.

Submissions (3):

Labcorp Genetics (formerly Invitae), Labcorp
Classification: Pathogenic. Last evaluated: 2023-12-07. Review status: criteria provided, single submitter. Criteria: Invitae Variant Classification Sherloc (09022015). Collection method: clinical testing. Allele origin: germline.
Comment: This sequence change affects a donor splice site in intron 58 of the USH2A gene. It is expected to disrupt RNA splicing. Variants that disrupt the donor or acceptor splice site typically lead to a loss of protein function (PMID: 16199547), and loss-of-function variants in USH2A are known to be pathogenic (PMID: 10729113, 10909849, 20507924, 25649381). The frequency data for this variant in the population databases is considered unreliable, as metrics indicate poor data quality at this position in the gnomAD database. Disruption of this splice site has been observed in individuals with retinal dystrophy (PMID: 25356976, 31736247). ClinVar contains an entry for this variant (Variation ID: 801610). Algorithms developed to predict the effect of sequence changes on RNA splicing suggest that this variant may disrupt the consensus splice site. For these reasons, this variant has been classified as Pathogenic.

Genome-Nilou Lab
Classification: Pathogenic for Usher syndrome type 2A. Last evaluated: 2023-04-11. Review status: criteria provided, single submitter. Criteria: ACMG Guidelines, 2015. Collection method: clinical testing. Allele origin: germline. Affected: no.

Mendelics
Classification: Pathogenic for Usher syndrome type 2A. Last evaluated: 2019-05-28. Review status: criteria provided, single submitter. Criteria: Mendelics Assertion Criteria 2017. Collection method: clinical testing. Allele origin: unknown.

Literature cited by the submitters: PubMed 16199547 (cited by Labcorp Genetics (formerly Invitae), Labcorp); PubMed 10729113 (cited by Labcorp Genetics (formerly Invitae), Labcorp); PubMed 10909849 (cited by Labcorp Genetics (formerly Invitae), Labcorp); PubMed 20507924 (cited by Labcorp Genetics (formerly Invitae), Labcorp); PubMed 25649381 (cited by Labcorp Genetics (formerly Invitae), Labcorp); PubMed 25356976 (cited by Labcorp Genetics (formerly Invitae), Labcorp); PubMed 31736247 (cited by Labcorp Genetics (formerly Invitae), Labcorp).

NM_206933.4(USH2A):c.11389+1G>A

Gene: USH2A (usherin; minus strand). Cytogenetic location: 1q41.
Variant type: single nucleotide variant.
Coding change: c.11389+1G>A on transcript NM_206933.4 (MANE Select); the canonical splice donor site of the intron after coding-DNA position 11389, G replaced by A.
Molecular consequence: splice donor variant.
Genome position (GRCh38, 1-based): chr1:215,758,594, C>T on the plus strand (G>A on the coding strand, the complement: USH2A is on the minus strand). VCF-style: chr1-215758594-C-T. GRCh37 (hg19) VCF-style: chr1-215931936-C-T.
Identifiers: ClinVar variation 801610 (VCV000801610.12), dbSNP rs368770647, ClinGen allele CA37425391.
Genomic context (GRCh38, chr1:215,758,594, plus strand): 5'-CTCTAATTAATTCCTTTAAAATGTTTACACACACACACACATACTTCTTTTTTTTTTTTA[C>T]CTGGTGGTATCCAAGCTACAAATATAGAATAAGGCCCAATTACTGTGATATTATATGGAG-3'